The following is an entry in ClinVar:

GRCh38/hg38 1q21.1-21.2(chr1:147036093-148352084)x3

Genes: ACP6 (acid phosphatase 6, lysophosphatidic; minus strand), BCL9 (BCL9 transcription coactivator; plus strand), CHD1L (chromodomain helicase DNA binding protein 1 like; plus strand), FMO5 (flavin containing dimethylaniline monoxygenase 5; minus strand), GJA5 (gap junction protein alpha 5; minus strand) and 46 more. Cytogenetic location: 1q21.1-21.2.
Variant type: copy number gain.
Change: copy number 3 (three copies instead of two) of chr1:147,036,093-148,352,084 (1.32 Mb, GRCh38 coordinates, 1-based), cytogenetic band 1q21.1-21.2.
Identifiers: ClinVar variation 149909 (VCV000149909.2).

ClinVar aggregate classification (germline): Pathogenic/Likely pathogenic (0 of 4 stars; one submission).

Submission:

ISCA site 4
Classification: Pathogenic/Likely pathogenic. Last evaluated: 2012-09-21. Review status: no assertion criteria provided. Collection method: clinical testing. Allele origin: unknown. Affected: yes. Observed: 2 variant alleles.
Comment: Pathogenic(1), Likely pathogenic(1)

Copy number variation identified through the course of routine clinical cytogenomic testing in postnatal populations, with clinical assertions as classified by the original submitter.